The following is an entry in ClinVar:

NM_005359.6(SMAD4):c.1448-16A>G

Gene: SMAD4 (SMAD family member 4; plus strand). Cytogenetic location: 18q21.2.
Variant type: single nucleotide variant.
Coding change: c.1448-16A>G on transcript NM_005359.6 (MANE Select); 16 bases into the intron before coding-DNA position 1448, A replaced by G.
Molecular consequence: intron variant.
Genome position (GRCh38, 1-based): chr18:51,078,240, A>G. VCF-style: chr18-51078240-A-G. GRCh37 (hg19) VCF-style: chr18-48604610-A-G.
Identifiers: ClinVar variation 1604879 (VCV001604879.9), dbSNP rs1223765408, ClinGen allele CA629926712.
Genomic context (GRCh38, chr18:51,078,240, plus strand): 5'-TGATTAATTTAGAATGTAGGGAGGATGGGAAGAGATCACCCTGTCCCTCTGATGTCTTCC[A>G]AATCTTTTCTGTTAGGTCTGTCAGCTGCTGCTGGAATTGGTGTTGATGACCTTCGTCGCT-3'

ClinVar aggregate classification (germline): Likely benign. Review status: criteria provided, multiple submitters, no conflicts (2 of 4 stars). 2 submissions from 2 submitters: Likely benign (2). Last evaluated 2025-03-24.

Conditions:
Juvenile polyposis syndrome (JPS). Identifiers: Orphanet 2929, MedGen C0345893, MONDO:0017380, OMIM 174900.
Juvenile polyposis/hereditary hemorrhagic telangiectasia syndrome (JPHT). Also called: Juvenile Polyposis Syndrome / Hereditary Hemorrhagic Telangiectasia (JPS/HHT); JP/HHT SYNDROME; JUVENILE POLYPOSIS WITH HEREDITARY HEMORRHAGIC TELANGIECTASIA; POLYPOSIS, GENERALIZED JUVENILE, WITH PULMONARY ARTERIOVENOUS MALFORMATION; TELANGIECTASIA, HEREDITARY HEMORRHAGIC, WITH JUVENILE POLYPOSIS COLI. Identifiers: Orphanet 2929, MedGen C1832942, MONDO:0008278, OMIM 175050.

Submissions (2):

Myriad Genetics, Inc.
Classification: Likely benign for Juvenile polyposis/hereditary hemorrhagic telangiectasia syndrome. Last evaluated: 2025-03-24. Review status: criteria provided, single submitter. Criteria: Myriad Autosomal Dominant, Autosomal Recessive and X-Linked Classification Criteria (2023). Collection method: clinical testing. Allele origin: unknown.
Comment: This variant is considered likely benign. This variant is intronic and is not expected to impact mRNA splicing.

Labcorp Genetics (formerly Invitae), Labcorp
Classification: Likely benign for Juvenile polyposis syndrome. Last evaluated: 2024-12-10. Review status: criteria provided, single submitter. Criteria: Invitae Variant Classification Sherloc (09022015). Collection method: clinical testing. Allele origin: germline.